The following is an entry in ClinVar:

ClinVar aggregate classification (germline): Conflicting classifications of pathogenicity. Review status: criteria provided, conflicting classifications (1 of 4 stars). 3 submissions from 3 submitters: Likely pathogenic (1); Uncertain significance (2). Last evaluated 2025-11-27.

Conditions:
Adult hypophosphatasia. Identifiers: Orphanet 247676, Orphanet 436, MedGen C0268413, MONDO:1010154, OMIM 146300, MONDO:0007798.

Allele frequency attached by ClinVar (database versions not stated): TOPMed below 0.00001; gnomAD 0.00001; gnomAD exomes 0.00001; ExAC 0.00002; ESP Exome Variant Server 0.00008.
gnomAD v4.1: 9 of 1,614,034 alleles (0.00056%); highest among the groups gnomAD compares: Non-Finnish European, 0.00076%; no homozygotes.

Submissions (3):

Labcorp Genetics (formerly Invitae), Labcorp
Classification: Likely pathogenic. Last evaluated: 2025-11-27. Review status: criteria provided, single submitter. Criteria: Invitae Variant Classification Sherloc (09022015). Collection method: clinical testing. Allele origin: germline.
Comment: This sequence change replaces leucine, which is neutral and non-polar, with phenylalanine, which is neutral and non-polar, at codon 43 of the ALPL protein (p.Leu43Phe). This variant is present in population databases (rs148357203, gnomAD 0.007%). This missense change has been observed in individuals with clinical features of hypophosphatasia (PMID: 38702915; internal data). ClinVar contains an entry for this variant (Variation ID: 1184268). Invitae Evidence Modeling of protein sequence and biophysical properties (such as structural, functional, and spatial information, amino acid conservation, physicochemical variation, residue mobility, and thermodynamic stability) indicates that this missense variant is expected to disrupt ALPL protein function with a positive predictive value of 95%. In summary, the currently available evidence indicates that the variant is pathogenic, but additional data are needed to prove that conclusively. Therefore, this variant has been classified as Likely Pathogenic.

NxGen MDx
Classification: Uncertain significance for Adult hypophosphatasia. Last evaluated: 2019-12-09. Review status: criteria provided, single submitter. Criteria: ACMG Guidelines, 2015. Collection method: clinical testing. Allele origin: unknown.
Comment: This missense variant (c.127C>T) is in a hot-spot locus in on exon 3 of ALPL (PM1) resulting in a residue change from leucine to phenylalanine (p.Leu43Phe) which are both non-polar but differ in size. This variant has low allele frequency in gnomAD exomes (PM2) and has several pathogenic computational predictions (PP3). We interpret c.127C>T to be of uncertain significance.

Breakthrough Genomics
Classification: Uncertain significance. Review status: criteria provided, single submitter. Criteria: ACMG Guidelines, 2015. Collection method: not provided. Allele origin: germline. Inheritance: Autosomal recessive inheritance. Affected: yes.

Literature cited by the submitters: PubMed 38702915 (cited by Labcorp Genetics (formerly Invitae), Labcorp).

NM_000478.6(ALPL):c.127C>T (p.Leu43Phe)

Gene: ALPL (alkaline phosphatase, biomineralization associated; plus strand). Cytogenetic location: 1p36.12.
Variant type: single nucleotide variant.
Coding change: c.127C>T on transcript NM_000478.6 (MANE Select); coding-DNA position 127, C replaced by T.
Protein change: p.Leu43Phe; replaces leucine 43 with phenylalanine.
Molecular consequence: missense variant. On other transcripts: 5 prime UTR variant (1), synonymous variant (1).
Genome position (GRCh38, 1-based): chr1:21,560,691, C>T. VCF-style: chr1-21560691-C-T. GRCh37 (hg19) VCF-style: chr1-21887184-C-T.
Other names: dnSNP:rs148357203; c.-39C>T (NM_001127501.4); c.12C>T, p.Ser4= (NM_001177520.3); c.127C>T, p.Leu43Phe (NM_001369803.2, NM_001369804.2, NM_001369805.2); short protein forms L43F.
Identifiers: ClinVar variation 1184268 (VCV001184268.8), dbSNP rs148357203, ClinGen allele CA666402.
Genomic context (GRCh38, chr1:21,560,691, plus strand): 5'-GAGAAAGACCCCAAGTACTGGCGAGACCAAGCGCAAGAGACACTGAAATATGCCCTGGAG[C>T]TTCAGAAGCTCAACACCAACGTGGCTAAGAATGTCATCATGTTCCTGGGAGATGGTGAGG-3'
Protein context (NP_000469.3, residues 33-53): AQETLKYALE[Leu43Phe]QKLNTNVAKN